The following is an entry in ClinVar:

NM_198253.3(TERT):c.2144G>C (p.Gly715Ala)

Gene: TERT (telomerase reverse transcriptase; minus strand). Cytogenetic location: 5p15.33.
Variant type: single nucleotide variant.
Coding change: c.2144G>C on transcript NM_198253.3 (MANE Select); coding-DNA position 2144, G replaced by C.
Protein change: p.Gly715Ala; replaces glycine 715 with alanine.
Molecular consequence: missense variant. On other transcripts: non-coding transcript variant (1).
Genome position (GRCh38, 1-based): chr5:1,278,783, C>G on the plus strand (G>C on the coding strand, the complement: TERT is on the minus strand). VCF-style: chr5-1278783-C-G. GRCh37 (hg19) VCF-style: chr5-1278898-C-G.
Other names: c.2144G>C, p.Gly715Ala (NM_001193376.3, NM_003219.1); short protein forms G715A.
Identifiers: ClinVar variation 3238543 (VCV003238543.1), dbSNP rs1749798171.

ClinVar aggregate classification (germline): Uncertain significance (1 of 4 stars; one submission).

Conditions:
Dyskeratosis congenita. Identifiers: Orphanet 1775, MedGen C0265965, MONDO:0015780.

Submission:

Ambry Genetics
Classification: Uncertain significance for Dyskeratosis congenita. Last evaluated: 2023-11-23. Review status: criteria provided, single submitter. Criteria: Ambry Variant Classification Scheme 2023. Collection method: clinical testing. Allele origin: germline.
Comment: The p.G715A variant (also known as c.2144G>C), located in coding exon 6 of the TERT gene, results from a G to C substitution at nucleotide position 2144. The glycine at codon 715 is replaced by alanine, an amino acid with similar properties. This amino acid position is conserved. In addition, the in silico prediction for this alteration is inconclusive. Since supporting evidence is limited at this time, the clinical significance of this alteration remains unclear.